The following is an entry in ClinVar:

ClinVar aggregate classification (germline): Benign/Likely benign. Review status: criteria provided, multiple submitters, no conflicts (2 of 4 stars). 4 submissions from 4 submitters: Benign (1); Likely benign (3). Last evaluated 2025-11-19.

Conditions:
Mitochondrial complex II deficiency, nuclear type 1. Also called: SUCCINATE CoQ REDUCTASE DEFICIENCY. Identifiers: Orphanet 3208, MedGen C5700310, MONDO:0100294, OMIM 252011.
Pheochromocytoma/paraganglioma syndrome 5. Also called: Paragangliomas 5; SDHA-Related Hereditary Paraganglioma-Pheochromocytoma Syndrome. Identifiers: Orphanet 29072, MedGen C3279992, MONDO:0013602, OMIM 614165.
Hereditary cancer-predisposing syndrome. Also called: Neoplastic Syndromes, Hereditary; Hereditary Cancer Syndrome; Hereditary neoplastic syndrome; Tumor predisposition. Identifiers: Orphanet 140162, MedGen C0027672, MeSH D009386, MONDO:0015356.

Allele frequency attached by ClinVar (database versions not stated): TOPMed 0.00001.

Submissions (4):

Labcorp Genetics (formerly Invitae), Labcorp
Classification: Likely benign for Pheochromocytoma/paraganglioma syndrome 5; Mitochondrial complex II deficiency, nuclear type 1. Last evaluated: 2025-11-19. Review status: criteria provided, single submitter. Criteria: Invitae Variant Classification Sherloc (09022015). Collection method: clinical testing. Allele origin: germline.

Myriad Genetics, Inc.
Classification: Benign for Pheochromocytoma/paraganglioma syndrome 5. Last evaluated: 2025-03-10. Review status: criteria provided, single submitter. Criteria: Myriad Autosomal Dominant, Autosomal Recessive and X-Linked Classification Criteria (2023). Collection method: clinical testing. Allele origin: unknown.
Comment: This variant is considered benign. This variant is a silent/synonymous amino acid change and it is not expected to impact splicing.

Ambry Genetics
Classification: Likely benign for Hereditary cancer-predisposing syndrome. Last evaluated: 2021-12-05. Review status: criteria provided, single submitter. Criteria: Ambry Variant Classification Scheme 2023. Collection method: clinical testing. Allele origin: germline.

GeneDx
Classification: Likely benign. Last evaluated: 2017-12-06. Review status: criteria provided, single submitter. Criteria: GeneDx Variant Classification (06012015). Collection method: clinical testing. Allele origin: germline. Affected: yes.
Comment: This variant is considered likely benign or benign based on one or more of the following criteria: it is a conservative change, it occurs at a poorly conserved position in the protein, it is predicted to be benign by multiple in silico algorithms, and/or has population frequency not consistent with disease.

NM_004168.4(SDHA):c.1293T>C (p.Ile431=)

Gene: SDHA (succinate dehydrogenase complex flavoprotein subunit A; plus strand). Cytogenetic location: 5p15.33.
Variant type: single nucleotide variant.
Coding change: c.1293T>C on transcript NM_004168.4 (MANE Select); coding-DNA position 1293, T replaced by C.
Protein change: p.Ile431=; no amino-acid change (isoleucine 431 retained).
Molecular consequence: synonymous variant.
Genome position (GRCh38, 1-based): chr5:236,460, T>C. VCF-style: chr5-236460-T-C. GRCh37 (hg19) VCF-style: chr5-236575-T-C.
Other names: c.1149T>C, p.Ile383= (NM_001294332.2); c.1293T>C, p.Ile431= (NM_001330758.2).
Identifiers: ClinVar variation 513929 (VCV000513929.7), dbSNP rs1553999716, ClinGen allele CA442692074.